The following is an entry in ClinVar:

ClinVar aggregate classification (germline): Uncertain significance. Review status: criteria provided, multiple submitters, no conflicts (2 of 4 stars). 2 submissions from 2 submitters: Uncertain significance (2). Last evaluated 2024-01-17.

Conditions:
Inborn genetic diseases. Identifiers: MedGen C0950123, MeSH D030342.
Epileptic encephalopathy. Identifiers: MedGen C0543888, HP:0200134.

Allele frequency attached by ClinVar (database versions not stated): TOPMed 0.00001; ExAC 0.00008.
gnomAD v4.1: 19 of 1,476,770 alleles (0.0013%); highest among the groups gnomAD compares: Middle Eastern, 0.037%; no homozygotes.

Submissions (2):

Labcorp Genetics (formerly Invitae), Labcorp
Classification: Uncertain significance for Epileptic encephalopathy. Last evaluated: 2024-01-17. Review status: criteria provided, single submitter. Criteria: Invitae Variant Classification Sherloc (09022015). Collection method: clinical testing. Allele origin: germline.
Comment: This sequence change replaces alanine, which is neutral and non-polar, with threonine, which is neutral and polar, at codon 912 of the GABBR2 protein (p.Ala912Thr). The frequency data for this variant in the population databases is considered unreliable, as metrics indicate poor data quality at this position in the gnomAD database. This variant has not been reported in the literature in individuals affected with GABBR2-related conditions. ClinVar contains an entry for this variant (Variation ID: 1959113). An algorithm developed to predict the effect of missense changes on protein structure and function (PolyPhen-2) suggests that this variant is likely to be disruptive. In summary, the available evidence is currently insufficient to determine the role of this variant in disease. Therefore, it has been classified as a Variant of Uncertain Significance.

Ambry Genetics
Classification: Uncertain significance for Inborn genetic diseases. Last evaluated: 2021-11-30. Review status: criteria provided, single submitter. Criteria: Ambry Variant Classification Scheme 2023. Collection method: clinical testing. Allele origin: germline.

NM_005458.8(GABBR2):c.2734G>A (p.Ala912Thr)

Gene: GABBR2 (gamma-aminobutyric acid type B receptor subunit 2; minus strand). Cytogenetic location: 9q22.33.
Variant type: single nucleotide variant.
Coding change: c.2734G>A on transcript NM_005458.8 (MANE Select); coding-DNA position 2734, G replaced by A.
Protein change: p.Ala912Thr; replaces alanine 912 with threonine.
Molecular consequence: missense variant.
Genome position (GRCh38, 1-based): chr9:98,290,676, C>T on the plus strand (G>A on the coding strand, the complement: GABBR2 is on the minus strand). VCF-style: chr9-98290676-C-T. GRCh37 (hg19) VCF-style: chr9-101052958-C-T.
Other names: short protein forms A912T.
Identifiers: ClinVar variation 1959113 (VCV001959113.6), dbSNP rs749468798, ClinGen allele CA5152374.
Genomic context (GRCh38, chr9:98,290,676, plus strand): 5'-GTGGCACATGTCTGTGGCGGGGGCTGGCGGTGGGGCTGACGCAGGGGCTGACACAGCTGG[C>T]GTCCACGCCTCCGATGGATGGGAGGTAGGCGTGGTGGAGGATGGGGAGCTGGAGGGACAG-3'
Protein context (NP_005449.5, residues 902-922): AYLPSIGGVD[Ala912Thr]SCVSPCVSPT